The following is an entry in ClinVar:

NM_002087.4(GRN):c.1324A>G (p.Ile442Val)

Gene: GRN (granulin precursor; plus strand). Cytogenetic location: 17q21.31.
Variant type: single nucleotide variant.
Coding change: c.1324A>G on transcript NM_002087.4 (MANE Select); coding-DNA position 1324, A replaced by G.
Protein change: p.Ile442Val; replaces isoleucine 442 with valine.
Molecular consequence: missense variant.
Genome position (GRCh38, 1-based): chr17:44,352,159, A>G. VCF-style: chr17-44352159-A-G. GRCh37 (hg19) VCF-style: chr17-42429527-A-G.
Other names: short protein forms I442V.
Identifiers: ClinVar variation 4788982 (VCV004788982.1).

ClinVar aggregate classification (germline): Uncertain significance (1 of 4 stars; one submission).

Conditions:
Neuronal ceroid lipofuscinosis 11. Also called: GRN-Related Neuronal Ceroid-Lipofuscinosis. Identifiers: Orphanet 314629, Orphanet 79262, MedGen C3539123, MONDO:0013866, OMIM 614706.
GRN-related frontotemporal lobar degeneration with Tdp43 inclusions (FTD2). Also called: DEMENTIA, HEREDITARY DYSPHASIC DISINHIBITION; FRONTOTEMPORAL LOBAR DEGENERATION WITH UBIQUITIN-POSITIVE INCLUSIONS; FTLD-TDP, GRN-RELATED; FRONTOTEMPORAL DEMENTIA WITH TDP43 INCLUSIONS, GRN-RELATED; GRN Frontotemporal Dementia. Identifiers: Orphanet 100070, Orphanet 282, MedGen C1843792, MONDO:0011842, OMIM 607485. Disease mechanism: loss of function.

gnomAD v4.1: 7 of 1,613,778 alleles (0.00043%); highest among the groups gnomAD compares: Non-Finnish European, 0.00051%; no homozygotes.

Submission:

Labcorp Genetics (formerly Invitae), Labcorp
Classification: Uncertain significance for Neuronal ceroid lipofuscinosis 11; GRN-related frontotemporal lobar degeneration with Tdp43 inclusions. Last evaluated: 2025-10-26. Review status: criteria provided, single submitter. Criteria: Invitae Variant Classification Sherloc (09022015). Collection method: clinical testing. Allele origin: germline.
Comment: This sequence change replaces isoleucine, which is neutral and non-polar, with valine, which is neutral and non-polar, at codon 442 of the GRN protein (p.Ile442Val). This variant is present in population databases (no rsID available, gnomAD 0.004%). This variant has not been reported in the literature in individuals affected with GRN-related conditions. Invitae Evidence Modeling of protein sequence and biophysical properties (such as structural, functional, and spatial information, amino acid conservation, physicochemical variation, residue mobility, and thermodynamic stability) indicates that this missense variant is not expected to disrupt GRN protein function with a negative predictive value of 80%. In summary, the available evidence is currently insufficient to determine the role of this variant in disease. Therefore, it has been classified as a Variant of Uncertain Significance.